The following is an entry in ClinVar:

ClinVar aggregate classification (germline): Pathogenic (1 of 4 stars; one submission).

Conditions:
APC-related disorder. Also called: APC-related condition.

Submission:

PreventionGenetics, part of Exact Sciences
Classification: Pathogenic for APC-related condition. Last evaluated: 2023-09-15. Review status: criteria provided, single submitter. Criteria: ACMG Guidelines, 2015. Collection method: clinical testing. Allele origin: germline.
Comment: The APC c.4506T>A variant is predicted to result in premature protein termination (p.Cys1502*). To our knowledge, this variant has not been reported in the literature or in a large population database, indicating this variant is rare. Nonsense variants in APC are expected to be pathogenic. This variant is interpreted as pathogenic.

NM_000038.6(APC):c.4506T>A (p.Cys1502Ter)

Gene: APC (APC regulator of WNT signaling pathway; plus strand). Cytogenetic location: 5q22.2.
Variant type: single nucleotide variant.
Coding change: c.4506T>A on transcript NM_000038.6 (MANE Select); coding-DNA position 4506, T replaced by A.
Protein change: p.Cys1502Ter; replaces cysteine 1502 with a stop codon.
Molecular consequence: nonsense. On other transcripts: non-coding transcript variant (2).
Genome position (GRCh38, 1-based): chr5:112,840,100, T>A. VCF-style: chr5-112840100-T-A. GRCh37 (hg19) VCF-style: chr5-112175797-T-A.
Other names: c.4506T>A, p.Cys1502Ter (NM_001127510.3, NM_001354895.2, NM_001407450.1); c.4452T>A, p.Cys1484Ter (NM_001127511.3); c.4560T>A, p.Cys1520Ter (NM_001354896.2, NM_001407447.1, NM_001407448.1 and 1 more transcripts); c.4536T>A, p.Cys1512Ter (NM_001354897.2); c.4431T>A, p.Cys1477Ter (NM_001354898.2); c.4422T>A, p.Cys1474Ter (NM_001354899.2); c.4383T>A, p.Cys1461Ter (NM_001354900.2); c.4329T>A, p.Cys1443Ter (NM_001354901.2, NM_001407453.1); and 11 more; short protein forms C1118*, C1219*, C1342*, C1373*, C1376*, C1401*, C1411*, C1419*.
Identifiers: ClinVar variation 2630813 (VCV002630813.1), dbSNP rs2149916320, ClinGen allele CA16031191.